The following is an entry in ClinVar:

ClinVar aggregate classification (germline): Uncertain significance (0 of 4 stars; one submission).

Conditions:
BBS7-related disorder. Also called: BBS7-related condition.

Submission:

PreventionGenetics, part of Exact Sciences
Classification: Uncertain significance for BBS7-related condition. Last evaluated: 2024-06-08. Review status: no assertion criteria provided. Collection method: clinical testing. Allele origin: germline.
Comment: The BBS7 c.854_856delTGT variant is predicted to result in an in-frame deletion (p.Leu285del). To our knowledge, this variant has not been reported in the literature or in gnomAD, indicating this variant is rare. At this time, the clinical significance of this variant is uncertain due to the absence of conclusive functional and genetic evidence.

NM_176824.3(BBS7):c.851TGT[1] (p.Leu285del)

Gene: BBS7 (Bardet-Biedl syndrome 7; minus strand). Cytogenetic location: 4q27.
Variant type: Microsatellite.
Coding change: c.851TGT[1] on transcript NM_176824.3 (MANE Select); one copy of the 3-base unit TGT starting at c.851; the reference has two copies in a row; one copy, 3 bases deleted.
Protein change: p.Leu285del; deletes leucine 285.
Molecular consequence: inframe deletion.
Genome position (GRCh38, 1-based): chr4:121,848,922-121,848,924, ACA deleted on the plus strand (TGT on the coding strand, the reverse complement: BBS7 is on the minus strand); deleting any 3 consecutive bases within chr4:121,848,922-121,848,927 gives the same sequence; the position shown is the placement nearest the transcript's 3' end. VCF-style (leftmost placement, unchanged base first): chr4-121848921-GACA-G. GRCh37 (hg19) VCF-style: chr4-122770076-GACA-G.
Other names: c.851TGT[1], p.Leu285del (NM_018190.4); short protein forms L285del.
Identifiers: ClinVar variation 3344527 (VCV003344527.1).